The following is an entry in ClinVar:

NM_000091.5(COL4A3):c.4027G>A (p.Gly1343Ser)

Genes: COL4A3 (collagen type IV alpha 3 chain; plus strand), MFF-DT (MFF divergent transcript; minus strand). Cytogenetic location: 2q36.3.
Variant type: single nucleotide variant.
Coding change: c.4027G>A on transcript NM_000091.5 (MANE Select); coding-DNA position 4027, G replaced by A.
Protein change: p.Gly1343Ser; replaces glycine 1343 with serine.
Molecular consequence: missense variant.
Genome position (GRCh38, 1-based): chr2:227,303,930, G>A. VCF-style: chr2-227303930-G-A. GRCh37 (hg19) VCF-style: chr2-228168646-G-A.
Other names: short protein forms G1343S.
Identifiers: ClinVar variation 2714550 (VCV002714550.3), dbSNP rs2469909388, ClinGen allele CA350862647.

ClinVar aggregate classification (germline): Uncertain significance (1 of 4 stars; one submission).

Submission:

Labcorp Genetics (formerly Invitae), Labcorp
Classification: Uncertain significance. Last evaluated: 2024-04-03. Review status: criteria provided, single submitter. Criteria: Invitae Variant Classification Sherloc (09022015). Collection method: clinical testing. Allele origin: germline.
Comment: This sequence change replaces glycine, which is neutral and non-polar, with serine, which is neutral and polar, at codon 1343 of the COL4A3 protein (p.Gly1343Ser). This variant also falls at the last nucleotide of exon 45, which is part of the consensus splice site for this exon. This variant is not present in population databases (gnomAD no frequency). This variant has not been reported in the literature in individuals affected with COL4A3-related conditions. Experimental studies and prediction algorithms are not available or were not evaluated, and the functional significance of this variant is currently unknown. Variants that disrupt the consensus splice site are a relatively common cause of aberrant splicing (PMID: 17576681, 9536098). Algorithms developed to predict the effect of sequence changes on RNA splicing suggest that this variant may disrupt the consensus splice site. In summary, the available evidence is currently insufficient to determine the role of this variant in disease. Therefore, it has been classified as a Variant of Uncertain Significance.

Literature cited by the submitters: PubMed 17576681; PubMed 9536098.